The following is an entry in ClinVar:

ClinVar aggregate classification (germline): Uncertain significance (1 of 4 stars; one submission).

Conditions:
Arrhythmogenic right ventricular dysplasia 10. Also called: Arrhythmogenic Right Ventricular Dysplasia/Cardiomyopathy10; ARRHYTHMOGENIC RIGHT VENTRICULAR DYSPLASIA, FAMILIAL, 10; Arrhythmogenic right ventricular dysplasia/cardiomyopathy, type 10. Identifiers: MedGen C1857777, MONDO:0012434, OMIM 610193.

Submission:

Labcorp Genetics (formerly Invitae), Labcorp
Classification: Uncertain significance for Arrhythmogenic right ventricular dysplasia 10. Last evaluated: 2021-01-01. Review status: criteria provided, single submitter. Criteria: Invitae Variant Classification Sherloc (09022015). Collection method: clinical testing. Allele origin: germline.
Comment: In summary, the available evidence is currently insufficient to determine the role of this variant in disease. Therefore, it has been classified as a Variant of Uncertain Significance. Algorithms developed to predict the effect of missense changes on protein structure and function (SIFT, PolyPhen-2, Align-GVGD) all suggest that this variant is likely to be disruptive, but these predictions have not been confirmed by published functional studies and their clinical significance is uncertain. This variant has not been reported in the literature in individuals with DSG2-related conditions. This variant is not present in population databases (ExAC no frequency). This sequence change replaces proline with serine at codon 98 of the DSG2 protein (p.Pro98Ser). The proline residue is highly conserved and there is a moderate physicochemical difference between proline and serine.

NM_001943.5(DSG2):c.292C>T (p.Pro98Ser)

Gene: DSG2 (desmoglein 2; plus strand). Cytogenetic location: 18q12.1.
Variant type: single nucleotide variant.
Coding change: c.292C>T on transcript NM_001943.5 (MANE Select); coding-DNA position 292, C replaced by T.
Protein change: p.Pro98Ser; replaces proline 98 with serine.
Molecular consequence: missense variant.
Genome position (GRCh38, 1-based): chr18:31,520,878, C>T. VCF-style: chr18-31520878-C-T. GRCh37 (hg19) VCF-style: chr18-29100841-C-T.
Other names: short protein forms P98S.
Identifiers: ClinVar variation 1430363 (VCV001430363.8), dbSNP rs2073123674, ClinGen allele CA402131487.